The following is an entry in ClinVar:

ClinVar aggregate classification (germline): Pathogenic (1 of 4 stars; one submission).

Conditions:
Polycystic kidney disease, adult type (PKD1). Also called: Polycystic Kidney Disease 1, Autosomal Dominant; Polycystic kidney disease 1; Polycystic kidney disease 1, severe; Polycystic Kidney, Autosomal Dominant; POLYCYSTIC KIDNEY DISEASE 1 WITH OR WITHOUT POLYCYSTIC LIVER DISEASE; POLYCYSTIC KIDNEY DISEASE, ADULT, TYPE I. Identifiers: MedGen C3149841, MONDO:0008263, OMIM 173900.

Submission:

Women's Health and Genetics/Laboratory Corporation of America, LabCorp
Classification: Pathogenic for Polycystic kidney disease, adult type. Last evaluated: 2025-05-01. Review status: criteria provided, single submitter. Criteria: LabCorp Variant Classification Summary - May 2015. Collection method: clinical testing. Allele origin: germline.
Comment: Variant summary: PKD1 c.1276A>T (p.Lys426X) results in a premature termination codon, predicted to cause a truncation of the encoded protein or absence of the protein due to nonsense mediated decay, which are commonly known mechanisms for disease. Algorithms developed to predict the effect of missense changes on protein structure and function are either unavailable or do not agree on the potential impact of this missense change. The variant was absent in 219922 control chromosomes. To our knowledge, no occurrence of c.1276A>T in individuals affected with Polycystic Kidney Disease 1 and no experimental evidence demonstrating its impact on protein function have been reported. No submitters have cited clinical-significance assessments for this variant to ClinVar. Based on the evidence outlined above, the variant was classified as pathogenic.

NM_001009944.3(PKD1):c.1276A>T (p.Lys426Ter)

Gene: PKD1 (polycystin 1, transient receptor potential channel interacting; minus strand). Cytogenetic location: 16p13.3.
Variant type: single nucleotide variant.
Coding change: c.1276A>T on transcript NM_001009944.3 (MANE Select); coding-DNA position 1276, A replaced by T.
Protein change: p.Lys426Ter; replaces lysine 426 with a stop codon.
Molecular consequence: nonsense.
Genome position (GRCh38, 1-based): chr16:2,117,598, T>A on the plus strand (A>T on the coding strand, the complement: PKD1 is on the minus strand). VCF-style: chr16-2117598-T-A. GRCh37 (hg19) VCF-style: chr16-2167599-T-A.
Other names: c.1276A>T, p.Lys426Ter (NM_000296.4); short protein forms K426*.
Identifiers: ClinVar variation 3902591 (VCV003902591.1).